The following is an entry in ClinVar:

NM_001267550.2(TTN):c.11671A>G (p.Thr3891Ala)

Gene: TTN (titin; minus strand). Cytogenetic location: 2q31.2.
Variant type: single nucleotide variant.
Coding change: c.11671A>G on transcript NM_001267550.2 (MANE Select); coding-DNA position 11671, A replaced by G.
Protein change: p.Thr3891Ala; replaces threonine 3891 with alanine.
Molecular consequence: missense variant. On other transcripts: intron variant (1).
Genome position (GRCh38, 1-based): chr2:178,741,562, T>C on the plus strand (A>G on the coding strand, the complement: TTN is on the minus strand). VCF-style: chr2-178741562-T-C. GRCh37 (hg19) VCF-style: chr2-179606289-T-C.
Other names: c.10720A>G, p.Thr3574Ala (NM_001256850.1); c.10582A>G, p.Thr3528Ala (NM_003319.4); c.10957A>G, p.Thr3653Ala (NM_133432.3); c.11158A>G, p.Thr3720Ala (NM_133437.4); c.10361-3202A>G (NM_133378.4); short protein forms T3528A, T3574A, T3653A, T3720A, T3891A.
Identifiers: ClinVar variation 3602399 (VCV003602399.1).

ClinVar aggregate classification (germline): Uncertain significance (1 of 4 stars; one submission).

Submission:

GeneDx
Classification: Uncertain significance. Last evaluated: 2024-07-30. Review status: criteria provided, single submitter. Criteria: GeneDx Variant Classification Process June 2021. Collection method: clinical testing. Allele origin: germline. Affected: yes.
Comment: Not observed at significant frequency in large population cohorts (gnomAD); Missense variant in a gene in which most reported pathogenic variants are truncating/loss of function; Has not been previously published as pathogenic or benign to our knowledge